The following is an entry in ClinVar:

ClinVar aggregate classification (germline): Likely benign. Review status: criteria provided, multiple submitters, no conflicts (2 of 4 stars). 3 submissions from 3 submitters: Likely benign (3). Last evaluated 2025-08-18.

Conditions:
Cohen syndrome (COH1). Also called: Cutis verticis gyrata, retinitis pigmentosa, and sensorineural deafness; PEPPER SYNDROME. Identifiers: Orphanet 193, MedGen C0265223, MONDO:0008999, OMIM 216550.
VPS13B-related disorder. Also called: VPS13B-related condition.

Allele frequency attached by ClinVar (database versions not stated): gnomAD 0.00001; gnomAD exomes 0.00001; TOPMed 0.00002.
gnomAD v4.1: 15 of 1,613,174 alleles (0.00093%); highest among the groups gnomAD compares: Admixed American, 0.0017%; no homozygotes.

Submissions (3):

Labcorp Genetics (formerly Invitae), Labcorp
Classification: Likely benign for Cohen syndrome. Last evaluated: 2025-08-18. Review status: criteria provided, single submitter. Criteria: Invitae Variant Classification Sherloc (09022015). Collection method: clinical testing. Allele origin: germline.

PreventionGenetics, part of Exact Sciences
Classification: Likely benign for VPS13B-related condition. Last evaluated: 2024-12-30. Review status: criteria provided, single submitter. Criteria: ACMG Guidelines, 2015. Collection method: clinical testing. Allele origin: germline.
Comment: This variant is classified as likely benign based on ACMG/AMP sequence variant interpretation guidelines (Richards et al. 2015 PMID: 25741868, with internal and published modifications).

CeGaT Center for Human Genetics Tuebingen
Classification: Likely benign. Last evaluated: 2024-06-01. Review status: criteria provided, single submitter. Criteria: CeGaT Center For Human Genetics Tuebingen Variant Classification Criteria Version 2. Collection method: clinical testing. Allele origin: germline. Affected: yes. Observed: 1 variant allele.
Comment: VPS13B: BP4, BP7

NM_152564.5(VPS13B):c.4833T>C (p.Ile1611=)

Gene: VPS13B (vacuolar protein sorting 13 homolog B; plus strand). Cytogenetic location: 8q22.2.
Variant type: single nucleotide variant.
Coding change: c.4833T>C on transcript NM_152564.5 (MANE Select); coding-DNA position 4833, T replaced by C.
Protein change: p.Ile1611=; no amino-acid change (isoleucine 1611 retained).
Molecular consequence: synonymous variant.
Genome position (GRCh38, 1-based): chr8:99,556,537, T>C. VCF-style: chr8-99556537-T-C. GRCh37 (hg19) VCF-style: chr8-100568765-T-C.
Other names: c.4908T>C, p.Ile1636= (NM_017890.5); c.4833T>C (NM_152564.4).
Identifiers: ClinVar variation 1119775 (VCV001119775.28), dbSNP rs1380489766, ClinGen allele CA462445866.